The following is an entry in ClinVar:

ClinVar aggregate classification (germline): Uncertain significance (1 of 4 stars; one submission).

Allele frequency attached by ClinVar (database versions not stated): TOPMed below 0.00001; gnomAD 0.00001; gnomAD exomes 0.00001; ExAC 0.00003.
gnomAD v4.1: 14 of 1,614,110 alleles (0.00087%); highest among the groups gnomAD compares: South Asian, 0.0011%; no homozygotes.

Submission:

Labcorp Genetics (formerly Invitae), Labcorp
Classification: Uncertain significance. Last evaluated: 2025-09-09. Review status: criteria provided, single submitter. Criteria: Invitae Variant Classification Sherloc (09022015). Collection method: clinical testing. Allele origin: germline.
Comment: This sequence change replaces arginine, which is basic and polar, with histidine, which is basic and polar, at codon 107 of the BACH2 protein (p.Arg107His). This variant is present in population databases (rs749061519, gnomAD 0.004%). This variant has not been reported in the literature in individuals affected with BACH2-related conditions. ClinVar contains an entry for this variant (Variation ID: 1940272). Invitae Evidence Modeling of protein sequence and biophysical properties (such as structural, functional, and spatial information, amino acid conservation, physicochemical variation, residue mobility, and thermodynamic stability) indicates that this missense variant is not expected to disrupt BACH2 protein function with a negative predictive value of 80%. In summary, the available evidence is currently insufficient to determine the role of this variant in disease. Therefore, it has been classified as a Variant of Uncertain Significance.

NM_021813.4(BACH2):c.320G>A (p.Arg107His)

Gene: BACH2 (BACH transcriptional regulator 2; minus strand). Cytogenetic location: 6q15.
Variant type: single nucleotide variant.
Coding change: c.320G>A on transcript NM_021813.4 (MANE Select); coding-DNA position 320, G replaced by A.
Protein change: p.Arg107His; replaces arginine 107 with histidine.
Molecular consequence: missense variant.
Genome position (GRCh38, 1-based): chr6:89,951,786, C>T on the plus strand (G>A on the coding strand, the complement: BACH2 is on the minus strand). VCF-style: chr6-89951786-C-T. GRCh37 (hg19) VCF-style: chr6-90661505-C-T.
Other names: c.320G>A, p.Arg107His (NM_001170794.2); short protein forms R107H.
Identifiers: ClinVar variation 1940272 (VCV001940272.5), dbSNP rs749061519, ClinGen allele CA3928190.